The following is an entry in ClinVar:

NM_001032283.3(TMPO):c.565+2022A>G

Gene: TMPO (thymopoietin; plus strand). Cytogenetic location: 12q23.1.
Variant type: single nucleotide variant.
Coding change: c.565+2022A>G on transcript NM_001032283.3 (MANE Select); 2022 bases into the intron after coding-DNA position 565, A replaced by G.
Molecular consequence: intron variant. On other transcripts: missense variant (1).
Genome position (GRCh38, 1-based): chr12:98,533,860, A>G. VCF-style: chr12-98533860-A-G. GRCh37 (hg19) VCF-style: chr12-98927638-A-G.
Other names: c.1603A>G, p.Lys535Glu (NM_003276.2); c.565+2022A>G (NM_001307975.2, NM_001032284.3); short protein forms K535E.
Identifiers: ClinVar variation 2735924 (VCV002735924.3), dbSNP rs1043570394, ClinGen allele CA242225075.
Genomic context (GRCh38, chr12:98,533,860, plus strand): 5'-TCACTGGCATGCAAATATCCAGTTTCTTCCAGGGAGGCAACACAGATATTATCAGTTCCA[A>G]AAGTAGATGATGAAATCCTAGGGTTTATTTCTGAAGCCACTCCACTAGGAGGTATTCAAG-3'

ClinVar aggregate classification (germline): Uncertain significance (1 of 4 stars; one submission).

Conditions:
Loeys-Dietz syndrome 2 (LDS2). Also called: Marfan syndrome, type 2 (formerly); TGFBR2-Related Loeys-Dietz Syndrome; Marfan Syndrome type 2; Marfan like connective tissue disorder; MFS 2; AORTIC ANEURYSM, FAMILIAL THORACIC 3. Identifiers: Orphanet 284973, Orphanet 558, MedGen C2674574, MONDO:0012427, OMIM 610168.

Allele frequency attached by ClinVar (database versions not stated): TOPMed 0.00001.
gnomAD v4.1: 23 of 1,614,244 alleles (0.0014%); highest among the groups gnomAD compares: African/African-American, 0.012%; no homozygotes.

Submission:

Labcorp Genetics (formerly Invitae), Labcorp
Classification: Uncertain significance for Loeys-Dietz syndrome 2. Last evaluated: 2025-09-24. Review status: criteria provided, single submitter. Criteria: Invitae Variant Classification Sherloc (09022015). Collection method: clinical testing. Allele origin: germline.
Comment: This sequence change replaces lysine, which is basic and polar, with glutamic acid, which is acidic and polar, at codon 535 of the TMPO protein (p.Lys535Glu). This variant is present in population databases (no rsID available, gnomAD 0.0009%). This missense change has been observed in individual(s) with clinical features of TMPO-related conditions. (PMID: 29247119). ClinVar contains an entry for this variant (Variation ID: 2735924). Invitae Evidence Modeling of protein sequence and biophysical properties (such as structural, functional, and spatial information, amino acid conservation, physicochemical variation, residue mobility, and thermodynamic stability) indicates that this missense variant is not expected to disrupt TMPO protein function with a negative predictive value of 80%. In summary, the available evidence is currently insufficient to determine the role of this variant in disease. Therefore, it has been classified as a Variant of Uncertain Significance.

Literature cited by the submitters: PubMed 29247119.